The following is an entry in ClinVar:

ClinVar aggregate classification (germline): Benign (1 of 4 stars; one submission).

Allele frequency attached by ClinVar (database versions not stated): TOPMed 0.00042; gnomAD 0.00036.

Submission:

GeneDx
Classification: Benign. Last evaluated: 2015-03-10. Review status: criteria provided, single submitter. Criteria: GeneDx Variant Classification (06012015). Collection method: clinical testing. Allele origin: germline. Affected: yes.
Comment: This variant is considered likely benign or benign based on one or more of the following criteria: it is a conservative change, it occurs at a poorly conserved position in the protein, it is predicted to be benign by multiple in silico algorithms, and/or has population frequency not consistent with disease.

NM_005359.6(SMAD4):c.-148C>T

Gene: SMAD4 (SMAD family member 4; plus strand). Cytogenetic location: 18q21.2.
Variant type: single nucleotide variant.
Coding change: c.-148C>T on transcript NM_005359.6 (MANE Select); 148 bases upstream of the start codon, C replaced by T.
Molecular consequence: 5 prime UTR variant.
Genome position (GRCh38, 1-based): chr18:51,030,603, C>T. VCF-style: chr18-51030603-C-T. GRCh37 (hg19) VCF-style: chr18-48556973-C-T.
Identifiers: ClinVar variation 516677 (VCV000516677.1), dbSNP rs896378489, ClinGen allele CA300075235.
Genomic context (GRCh38, chr18:51,030,603, plus strand): 5'-CCGGGGAAAGCTACGGGCCCGGTGCGTCCGCGGACCAGCAGCGCGGGAGAGCGGACTCCC[C>T]TCGCCACCGCCCGAGCCCAGGTAACCGCGCCATGTCCCCTCCCCTTCCCCCGGCCGGGCC-3'